The following is an entry in ClinVar:

ClinVar aggregate classification (germline): Likely benign. Review status: criteria provided, multiple submitters, no conflicts (2 of 4 stars). 2 submissions from 2 submitters: Likely benign (2). Last evaluated 2026-03-01.

Allele frequency attached by ClinVar (database versions not stated): 1000 Genomes Project 0.00060; 1000 Genomes Project 30x 0.00062; ESP Exome Variant Server 0.00069; ExAC 0.00117.
gnomAD v4.1: 1,720 of 1,613,748 alleles (0.11%); highest among the groups gnomAD compares: Middle Eastern, 1%; 7 homozygotes.

Submissions (2):

CeGaT Center for Human Genetics Tuebingen
Classification: Likely benign. Last evaluated: 2026-03-01. Review status: criteria provided, single submitter. Criteria: CeGaT Center For Human Genetics Tuebingen Variant Classification Criteria Version 2. Collection method: clinical testing. Allele origin: germline. Affected: yes. Observed: 3 variant alleles.
Comment: ZFHX3: BP4, BS1

Blueprint Genetics
Classification: Likely benign. Last evaluated: 2024-11-26. Review status: criteria provided, single submitter. Criteria: ACMG Guidelines, 2015. Collection method: clinical testing. Allele origin: germline.

NM_006885.4(ZFHX3):c.3378G>A (p.Lys1126=)

Gene: ZFHX3 (zinc finger homeobox 3; minus strand). Cytogenetic location: 16q22.3.
Variant type: single nucleotide variant.
Coding change: c.3378G>A on transcript NM_006885.4 (MANE Select); coding-DNA position 3378, G replaced by A.
Protein change: p.Lys1126=; no amino-acid change (lysine 1126 retained).
Molecular consequence: synonymous variant.
Genome position (GRCh38, 1-based): chr16:72,889,801, C>T on the plus strand (G>A on the coding strand, the complement: ZFHX3 is on the minus strand). VCF-style: chr16-72889801-C-T. GRCh37 (hg19) VCF-style: chr16-72923700-C-T.
Other names: c.636G>A, p.Lys212= (NM_001164766.2); c.3378G>A, p.Lys1126= (NM_001386735.1).
Identifiers: ClinVar variation 2646833 (VCV002646833.25), dbSNP rs141261851, ClinGen allele CA8164131.